The following is an entry in ClinVar:

ClinVar aggregate classification (germline): Uncertain significance (1 of 4 stars; one submission).

Conditions:
Developmental and epileptic encephalopathy, 13 (DEE13). Also called: Early infantile epileptic encephalopathy 13; SCN8A-Related Epilepsy; Developmental and Epileptic Encephalopathy (SCN8A-DEE). Identifiers: Orphanet 442835, MedGen C3281191, MONDO:0013801, OMIM 614558.

Submission:

Department of Human Genetics, Hannover Medical School
Classification: Uncertain significance for Developmental and epileptic encephalopathy, 13. Last evaluated: 2026-04-16. Review status: criteria provided, single submitter. Criteria: ACMG Guidelines, 2015. Collection method: clinical testing. Allele origin: germline. Affected: yes.
Comment: PM2_Supporting, PP1, PP3_Moderate

NM_001330260.2(SCN8A):c.5560C>T (p.Arg1854Trp)

Gene: SCN8A (sodium voltage-gated channel alpha subunit 8; plus strand). Cytogenetic location: 12q13.13.
Variant type: single nucleotide variant.
Coding change: c.5560C>T on transcript NM_001330260.2 (MANE Select); coding-DNA position 5560, C replaced by T.
Protein change: p.Arg1854Trp; replaces arginine 1854 with tryptophan.
Molecular consequence: missense variant.
Genome position (GRCh38, 1-based): chr12:51,807,046, C>T. VCF-style: chr12-51807046-C-T. GRCh37 (hg19) VCF-style: chr12-52200830-C-T.
Other names: c.5437C>T, p.Arg1813Trp (NM_001177984.3, NM_001369788.1); c.5560C>T, p.Arg1854Trp (NM_014191.4); short protein forms R1813W, R1854W.
Identifiers: ClinVar variation 4820211 (VCV004820211.1).